The following is an entry in ClinVar:

ClinVar aggregate classification (germline): Pathogenic (1 of 4 stars; one submission).

Conditions:
Retinoblastoma (RB1). Also called: RETINOBLASTOMA, SOMATIC. Identifiers: Orphanet 790, MedGen C0035335, MeSH D012175, MONDO:0008380, OMIM 180200, HP:0009919. Disease mechanism: loss of function. Inheritance: Both sporadic and heritable forms are tested..

Submission:

Genetic Diagnostic Laboratory, University of Pennsylvania School of Medicine
Classification: Pathogenic for Retinoblastoma. Last evaluated: 2024-05-20. Review status: criteria provided, single submitter. Criteria: ACMG Guidelines, 2015. Collection method: clinical testing. Allele origin: germline. Affected: yes. Observed: 1 variant allele.
Comment: Case and Pedigree Information: BILATERAL CASES:1, UNILATERAL CASES:0, TOTAL CASES:1, PEDIGREES:1. ACMG Codes Applied:PVS1, PM2

NM_000321.3(RB1):c.1536_1537del (p.Leu512fs)

Gene: RB1 (RB transcriptional corepressor 1; plus strand). Cytogenetic location: 13q14.2.
Variant type: Deletion.
Coding change: c.1536_1537del on transcript NM_000321.3 (MANE Select); coding-DNA positions 1536 to 1537, 2 bases deleted (GT; older notation c.1536_1537delGT).
Protein change: p.Leu512fs; shifts the reading frame from leucine 512.
Molecular consequence: frameshift variant.
Genome position (GRCh38, 1-based): chr13:48,381,284-48,381,285, GT deleted; deleting any 2 consecutive bases within chr13:48,381,283-48,381,285 gives the same sequence; the c. name uses the placement nearest the transcript's 3' end. VCF-style (leftmost placement, unchanged base first): chr13-48381282-TTG-T. GRCh37 (hg19) VCF-style: chr13-48955418-TTG-T.
Other names: c.1536_1537del, p.Leu512fs (NM_001407165.1, NM_001407166.1); short protein forms L512fs.
Identifiers: ClinVar variation 3237005 (VCV003237005.1), dbSNP rs2542206553.
Genomic context (GRCh38, chr13:48,381,282, plus strand): 5'-AGTTACTTTTTTTTTTCATTTTTAGGAAGTACATCTCAGAATCTTGATTCTGGAACAGAT[TTG>T]TCTTTCCCATGGATTCTGAATGTGCTTAATTTAAAAGCCTTTGATTTTTACAAAGTGATC-3'